The following is an entry in ClinVar:

ClinVar aggregate classification (germline): Uncertain significance (1 of 4 stars; one submission).

Conditions:
VPS13B-related disorder. Also called: VPS13B-related condition.

gnomAD v4.1: 3 of 1,613,858 alleles (0.00019%); highest among the groups gnomAD compares: Admixed American, 0.005%; no homozygotes.

Submission:

PreventionGenetics, part of Exact Sciences
Classification: Uncertain significance for VPS13B-related condition. Last evaluated: 2024-12-27. Review status: criteria provided, single submitter. Criteria: ACMG Guidelines, 2015. Collection method: clinical testing. Allele origin: germline.
Comment: The VPS13B c.7081C>T variant is predicted to result in the amino acid substitution p.Leu2361Phe. To our knowledge, this variant has not been reported in the literature. This variant is reported in 0.0058% of alleles in individuals of Latino descent in gnomAD. At this time, the clinical significance of this variant is uncertain due to the absence of conclusive functional and genetic evidence.

NM_152564.5(VPS13B):c.7081C>T (p.Leu2361Phe)

Gene: VPS13B (vacuolar protein sorting 13 homolog B; plus strand). Cytogenetic location: 8q22.2.
Variant type: single nucleotide variant.
Coding change: c.7081C>T on transcript NM_152564.5 (MANE Select); coding-DNA position 7081, C replaced by T.
Protein change: p.Leu2361Phe; replaces leucine 2361 with phenylalanine.
Molecular consequence: missense variant.
Genome position (GRCh38, 1-based): chr8:99,766,804, C>T. VCF-style: chr8-99766804-C-T. GRCh37 (hg19) VCF-style: chr8-100779032-C-T.
Other names: c.7156C>T, p.Leu2386Phe (NM_017890.5); short protein forms L2386F, L2361F.
Identifiers: ClinVar variation 5001886 (VCV005001886.1).